The following is an entry in ClinVar:

NM_015355.4(SUZ12):c.2153_2154del (p.Lys718fs)

Gene: SUZ12 (SUZ12 polycomb repressive complex 2 subunit; plus strand). Cytogenetic location: 17q11.2.
Variant type: Deletion.
Coding change: c.2153_2154del on transcript NM_015355.4 (MANE Select); coding-DNA positions 2153 to 2154, 2 bases deleted (AA; older notation c.2153_2154delAA).
Protein change: p.Lys718fs; shifts the reading frame from lysine 718.
Molecular consequence: frameshift variant.
Genome position (GRCh38, 1-based): chr17:31,998,936-31,998,937, AA deleted; deleting any 2 consecutive bases within chr17:31,998,934-31,998,937 gives the same sequence; the c. name uses the placement nearest the transcript's 3' end. VCF-style (leftmost placement, unchanged base first): chr17-31998933-CAA-C. GRCh37 (hg19) VCF-style: chr17-30325952-CAA-C.
Other names: c.2084_2085del, p.Lys695fs (NM_001321207.2); short protein forms K695fs, K718fs.
Identifiers: ClinVar variation 3367406 (VCV003367406.2).

ClinVar aggregate classification (germline): Uncertain significance (1 of 4 stars; one submission).

Submission:

GeneDx
Classification: Uncertain significance. Last evaluated: 2025-03-04. Review status: criteria provided, single submitter. Criteria: GeneDx Variant Classification Process June 2021. Collection method: clinical testing. Allele origin: germline.
Comment: Not observed at significant frequency in large population cohorts (gnomAD); Frameshift variant predicted to result in abnormal protein length as the last 22 amino acids are replaced with 7 different amino acids; Has not been previously published as pathogenic or benign to our knowledge